The following is an entry in ClinVar:

ClinVar aggregate classification (germline): Conflicting classifications of pathogenicity. Review status: criteria provided, conflicting classifications (1 of 4 stars). 6 submissions from 6 submitters: Uncertain significance (5); Likely benign (1). Last evaluated 2025-08-27.

Conditions:
Hereditary breast ovarian cancer syndrome. Also called: Breast and ovarian cancer; Hereditary breast and ovarian cancer; Hereditary breast and ovarian cancer syndrome; Hereditary breast and/or ovarian cancer syndrome; BRCA1- and BRCA2-Associated Hereditary Breast and Ovarian Cancer; Hereditary breast and ovarian cancer syndrome (HBOC). Identifiers: Orphanet 145, MedGen C0677776, MeSH D061325, MONDO:0003582. Disease mechanism: loss of function.
Breast-ovarian cancer, familial, susceptibility to, 1 (BROVCA1). Also called: BRCA1 Hereditary Breast and Ovarian Cancer; OVARIAN CANCER, SUSCEPTIBILITY TO. Identifiers: Orphanet 145, MedGen C2676676, MONDO:0011450, OMIM 604370. Disease mechanism: loss of function.
Hereditary cancer-predisposing syndrome. Also called: Tumor predisposition; Hereditary Cancer Syndrome; Neoplastic Syndromes, Hereditary; Hereditary neoplastic syndrome. Identifiers: Orphanet 140162, MedGen C0027672, MeSH D009386, MONDO:0015356.

Allele frequency attached by ClinVar (database versions not stated): gnomAD exomes below 0.00001.
gnomAD v4.1: 2 of 1,614,234 alleles (0.00012%); highest among the groups gnomAD compares: Non-Finnish European, 0.00017%; no homozygotes.

Submissions (6):

Color Diagnostics, LLC DBA Color Health
Classification: Uncertain significance for Hereditary cancer-predisposing syndrome. Last evaluated: 2025-08-27. Review status: criteria provided, single submitter. Criteria: ACMG Guidelines, 2015. Collection method: clinical testing. Allele origin: germline.
Comment: This missense variant replaces isoleucine with valine at codon 379 of the BRCA1 protein. Computational prediction suggests that this variant may not impact protein structure and function. To our knowledge, functional studies have not been reported for this variant. This variant has not been reported in individuals affected with BRCA1-related disorders in the literature. This variant has not been identified in the general population by the Genome Aggregation Database (gnomAD). The available evidence is insufficient to determine the role of this variant in disease conclusively. Therefore, this variant is classified as a Variant of Uncertain Significance.

Labcorp Genetics (formerly Invitae), Labcorp
Classification: Uncertain significance for Hereditary breast ovarian cancer syndrome. Last evaluated: 2024-12-26. Review status: criteria provided, single submitter. Criteria: Invitae Variant Classification Sherloc (09022015). Collection method: clinical testing. Allele origin: germline.
Comment: This sequence change replaces isoleucine, which is neutral and non-polar, with valine, which is neutral and non-polar, at codon 379 of the BRCA1 protein (p.Ile379Val). This variant is not present in population databases (gnomAD no frequency). This variant has not been reported in the literature in individuals affected with BRCA1-related conditions. ClinVar contains an entry for this variant (Variation ID: 221036). Invitae Evidence Modeling of protein sequence and biophysical properties (such as structural, functional, and spatial information, amino acid conservation, physicochemical variation, residue mobility, and thermodynamic stability) indicates that this missense variant is not expected to disrupt BRCA1 protein function with a negative predictive value of 80%. In summary, the available evidence is currently insufficient to determine the role of this variant in disease. Therefore, it has been classified as a Variant of Uncertain Significance.

Ambry Genetics
Classification: Uncertain significance for Hereditary cancer-predisposing syndrome. Last evaluated: 2024-02-23. Review status: criteria provided, single submitter. Criteria: Ambry Variant Classification Scheme 2023. Collection method: clinical testing. Allele origin: germline.
Comment: The p.I379V variant (also known as c.1135A>G), located in coding exon 9 of the BRCA1 gene, results from an A to G substitution at nucleotide position 1135. The isoleucine at codon 379 is replaced by valine, an amino acid with highly similar properties. This amino acid position is highly conserved in available vertebrate species. In addition, the in silico prediction for this alteration is inconclusive. Since supporting evidence is limited at this time, the clinical significance of this alteration remains unclear.

University of Washington Department of Laboratory Medicine, University of Washington
Classification: Likely benign for Hereditary cancer-predisposing syndrome. Last evaluated: 2023-03-23. Review status: criteria provided, single submitter. Criteria: Dines et al. (Genet Med. 2020). Collection method: curation. Allele origin: germline.
Comment: Missense variant in a coldspot region where missense variants are very unlikely to be pathogenic (PMID:31911673).

BRCA1 coldspot (exon 11 using historical exon numbering). Reclassification based on statistical prior probability

All of Us Research Program, National Institutes of Health
Classification: Uncertain significance for Breast-ovarian cancer, familial, susceptibility to, 1. Last evaluated: 2023-03-09. Review status: criteria provided, single submitter. Criteria: ACMG Guidelines, 2015. Collection method: clinical testing. Allele origin: germline. Inheritance: Autosomal dominant inheritance. Observed: 1 variant allele, 1 heterozygote.
Comment: This missense variant replaces isoleucine with valine at codon 379 of the BRCA1 protein. Computational prediction suggests that this variant may have deleterious impact on protein structure and function (internally defined REVEL score threshold >= 0.7, PMID: 27666373). To our knowledge, functional studies have not been reported for this variant. This variant has not been reported in individuals affected with BRCA1-related disorders in the literature. This variant has not been identified in the general population by the Genome Aggregation Database (gnomAD). The available evidence is insufficient to determine the role of this variant in disease conclusively. Therefore, this variant is classified as a Variant of Uncertain Significance.

This study involves interpretation of variants in research participants for the purpose of population health screening. Participant phenotype was not available at the time of variant classification. Additional details can be found in publication PMID: 35346344, PMCID: PMC8962531

Women's Health and Genetics/Laboratory Corporation of America, LabCorp
Classification: Uncertain significance. Last evaluated: 2018-10-04. Review status: criteria provided, single submitter. Criteria: LabCorp Variant Classification Summary - May 2015. Collection method: clinical testing. Allele origin: germline.
Comment: Variant summary: BRCA1 c.1135A>G (p.Ile379Val) results in a conservative amino acid change located in the serine-rich domain (IPR025994) of the encoded protein sequence. Three of five in-silico tools predict a benign effect of the variant on protein function. The variant was absent in 276870 control chromosomes (GnomAD). The available data on variant occurrences in the general population are insufficient to allow any conclusion about variant significance. To our knowledge, no occurrence of c.1135A>G in individuals affected with Hereditary Breast and Ovarian Cancer and no experimental evidence demonstrating its impact on protein function have been reported. Two clinical diagnostic laboratories have submitted clinical-significance assessments for this variant to ClinVar after 2014 without evidence for independent evaluation and classified the variant as uncertain significance. Based on the evidence outlined above, the variant was classified as uncertain significance.

NM_007294.4(BRCA1):c.1135A>G (p.Ile379Val)

Gene: BRCA1 (BRCA1 DNA repair associated; minus strand). Cytogenetic location: 17q21.31.
Variant type: single nucleotide variant.
Coding change: c.1135A>G on transcript NM_007294.4 (MANE Select); coding-DNA position 1135, A replaced by G.
Protein change: p.Ile379Val; replaces isoleucine 379 with valine.
Molecular consequence: missense variant. On other transcripts: intron variant (137).
Genome position (GRCh38, 1-based): chr17:43,094,396, T>C on the plus strand (A>G on the coding strand, the complement: BRCA1 is on the minus strand). VCF-style: chr17-43094396-T-C. GRCh37 (hg19) VCF-style: chr17-41246413-T-C.
Other names: c.922A>G, p.Ile308Val (NM_001407571.1, NM_001407894.1, NM_001407915.1 and 9 more transcripts); c.1135A>G, p.Ile379Val (NM_001407581.1, NM_001407582.1, NM_001407583.1 and 30 more transcripts); c.1132A>G, p.Ile378Val (NM_001407587.1, NM_001407590.1, NM_001407591.1 and 22 more transcripts); c.1057A>G, p.Ile353Val (NM_001407656.1, NM_001407657.1, NM_001407658.1 and 4 more transcripts); c.1054A>G, p.Ile352Val (NM_001407659.1, NM_001407660.1, NM_001407661.1 and 1 more transcripts); c.1012A>G, p.Ile338Val (NM_001407664.1, NM_001407675.1, NM_001407676.1 and 19 more transcripts); c.994A>G, p.Ile332Val (NM_001407695.1, NM_001407696.1, NM_001407697.1 and 29 more transcripts); c.991A>G, p.Ile331Val (NM_001407740.1, NM_001407741.1, NM_001407742.1 and 20 more transcripts); and 40 more; short protein forms I379V, I332V, I211V, I251V, I312V, I331V, I338V, I252V.
Identifiers: ClinVar variation 221036 (VCV000221036.21), dbSNP rs864622723, ClinGen allele CA348689.